The following is an entry in ClinVar:

NM_198253.3(TERT):c.3032+6C>T

Gene: TERT (telomerase reverse transcriptase; minus strand). Cytogenetic location: 5p15.33.
Variant type: single nucleotide variant.
Coding change: c.3032+6C>T on transcript NM_198253.3 (MANE Select); 6 bases into the intron after coding-DNA position 3032, C replaced by T.
Molecular consequence: intron variant.
Genome position (GRCh38, 1-based): chr5:1,258,592, G>A on the plus strand (C>T on the coding strand, the complement: TERT is on the minus strand). VCF-style: chr5-1258592-G-A. GRCh37 (hg19) VCF-style: chr5-1258707-G-A.
Other names: c.2843+6C>T (NM_001193376.3).
Identifiers: ClinVar variation 864289 (VCV000864289.5), dbSNP rs1405075700, ClinGen allele CA443020697.

ClinVar aggregate classification (germline): Uncertain significance (1 of 4 stars; one submission).

Conditions:
Dyskeratosis congenita, autosomal dominant 2. Identifiers: MedGen C3151443, MONDO:0013521, OMIM 613989.
Idiopathic Pulmonary Fibrosis. Also called: Idiopathic fibrosing alveolitis, chronic form; idiopathic fibrosing alveolitis. Identifiers: Orphanet 2032, MedGen C1800706, MeSH D054990, MONDO:0800504.

Allele frequency attached by ClinVar (database versions not stated): gnomAD exomes 0.00001; gnomAD 0.00003 and 0.00004; TOPMed 0.00003.
gnomAD v4.1: 8 of 1,564,180 alleles (0.00051%); highest among the groups gnomAD compares: African/African-American, 0.0095%; no homozygotes.

Submission:

Labcorp Genetics (formerly Invitae), Labcorp
Classification: Uncertain significance for Dyskeratosis congenita, autosomal dominant 2; Idiopathic Pulmonary Fibrosis. Last evaluated: 2022-07-17. Review status: criteria provided, single submitter. Criteria: Invitae Variant Classification Sherloc (09022015). Collection method: clinical testing. Allele origin: germline.
Comment: This sequence change falls in intron 13 of the TERT gene. It does not directly change the encoded amino acid sequence of the TERT protein. It affects a nucleotide within the consensus splice site. The frequency data for this variant in the population databases is considered unreliable, as metrics indicate poor data quality at this position in the gnomAD database. This variant has not been reported in the literature in individuals affected with TERT-related conditions. ClinVar contains an entry for this variant (Variation ID: 864289). Variants that disrupt the consensus splice site are a relatively common cause of aberrant splicing (PMID: 17576681, 9536098). Algorithms developed to predict the effect of sequence changes on RNA splicing suggest that this variant is not likely to affect RNA splicing. In summary, the available evidence is currently insufficient to determine the role of this variant in disease. Therefore, it has been classified as a Variant of Uncertain Significance.

Literature cited by the submitters: PubMed 17576681; PubMed 9536098.